The following is an entry in ClinVar:

NM_000257.4(MYH7):c.2699A>T (p.Asp900Val)

Gene: MYH7 (myosin heavy chain 7; minus strand). Cytogenetic location: 14q11.2.
Variant type: single nucleotide variant.
Coding change: c.2699A>T on transcript NM_000257.4 (MANE Select); coding-DNA position 2699, A replaced by T.
Protein change: p.Asp900Val; replaces aspartic acid 900 with valine.
Molecular consequence: missense variant.
Genome position (GRCh38, 1-based): chr14:23,424,130, T>A on the plus strand (A>T on the coding strand, the complement: MYH7 is on the minus strand). VCF-style: chr14-23424130-T-A. GRCh37 (hg19) VCF-style: chr14-23893339-T-A.
Other names: c.2699A>T (NM_000257.3); c.2699A>T, p.Asp900Val (NM_001407004.1); short protein forms D900V.
Identifiers: ClinVar variation 2137560 (VCV002137560.6), dbSNP rs397516163, ClinGen allele CA389047347.

ClinVar aggregate classification (germline): Conflicting classifications of pathogenicity. Review status: criteria provided, conflicting classifications (1 of 4 stars). 3 submissions from 3 submitters: Likely pathogenic (2); Uncertain significance (1). Last evaluated 2024-03-01.

Conditions:
Cardiovascular phenotype. Identifiers: MedGen CN230736.
Hypertrophic cardiomyopathy. Also called: HYPERTROPHIC MYOCARDIOPATHY. Identifiers: Orphanet 217569, MedGen C0007194, MeSH D002312, MONDO:0005045, HP:0001639.

Submissions (3):

Lildballe Lab, Aarhus University Hospital
Classification: Likely pathogenic for Hypertrophic cardiomyopathy. Last evaluated: 2024-03-01. Review status: criteria provided, single submitter. Criteria: ACMG Guidelines, 2015. Collection method: research. Allele origin: germline. Affected: yes.
Comment: PM1(m), PM2(sup), PP3(sup)

Molecular Diagnostic Laboratory for Inherited Cardiovascular Disease, Montreal Heart Institute
Classification: Likely pathogenic for Cardiovascular phenotype. Last evaluated: 2023-12-06. Review status: criteria provided, single submitter. Criteria: ACMG Guidelines, 2015. Collection method: clinical testing. Allele origin: germline. Affected: yes.
Comment: PM1, PM2, PS4_supp, PM5_supp, PP3

Labcorp Genetics (formerly Invitae), Labcorp
Classification: Uncertain significance for Hypertrophic cardiomyopathy. Last evaluated: 2022-05-01. Review status: criteria provided, single submitter. Criteria: Invitae Variant Classification Sherloc (09022015). Collection method: clinical testing. Allele origin: germline.
Comment: This sequence change replaces aspartic acid, which is acidic and polar, with valine, which is neutral and non-polar, at codon 900 of the MYH7 protein (p.Asp900Val). This variant is not present in population databases (gnomAD no frequency). This missense change has been observed in individual(s) with hypertrophic cardiomyopathy (PMID: 27247418). Algorithms developed to predict the effect of missense changes on protein structure and function (SIFT, PolyPhen-2, Align-GVGD) all suggest that this variant is likely to be disruptive. This variant is found within a region of MYH7 between codons 181 and 937 that contains the majority of the myosin head domain. Missense variants in this region have been shown to be significantly overrepresented in individuals with hypertrophic cardiomyopathy (PMID: 27532257). In summary, the available evidence is currently insufficient to determine the role of this variant in disease. Therefore, it has been classified as a Variant of Uncertain Significance.

Literature cited by the submitters: PubMed 25741897 (cited by Lildballe Lab, Aarhus University Hospital); PubMed 39481677 (cited by Lildballe Lab, Aarhus University Hospital); PubMed 27247418 (cited by Labcorp Genetics (formerly Invitae), Labcorp); PubMed 27532257 (cited by Labcorp Genetics (formerly Invitae), Labcorp).